The following is an entry in ClinVar:

NM_002292.4(LAMB2):c.1654T>C (p.Cys552Arg)

Gene: LAMB2 (laminin subunit beta 2; minus strand). Cytogenetic location: 3p21.31.
Variant type: single nucleotide variant.
Coding change: c.1654T>C on transcript NM_002292.4 (MANE Select); coding-DNA position 1654, T replaced by C.
Protein change: p.Cys552Arg; replaces cysteine 552 with arginine.
Molecular consequence: missense variant.
Genome position (GRCh38, 1-based): chr3:49,129,097, A>G on the plus strand (T>C on the coding strand, the complement: LAMB2 is on the minus strand). VCF-style: chr3-49129097-A-G. GRCh37 (hg19) VCF-style: chr3-49166530-A-G.
Other names: short protein forms C552R.
Identifiers: ClinVar variation 1038879 (VCV001038879.1), dbSNP rs2045454131, ClinGen allele CA352734538.
Genomic context (GRCh38, chr3:49,129,097, plus strand): 5'-CAGCCTCCCAAATTAGGTGGTCCAGGAAGGGCCGGAAGTAGCCAGGTTGCACCTGCTCAC[A>G]GCGTCGCCCAACCATGTGCTGGCGGCAGTGGCATTGACCTGTGCCCTCATCACACCTGGA-3'
Protein context (NP_002283.3, residues 542-562): HCRQHMVGRR[Cys552Arg]EQVQPGYFRP

ClinVar aggregate classification (germline): Uncertain significance (1 of 4 stars; one submission).

Conditions:
Pierson syndrome. Also called: MICROCORIA-CONGENITAL NEPHROTIC SYNDROME. Identifiers: Orphanet 2670, MedGen C1836876, MONDO:0012184, OMIM 609049.
LAMB2-related infantile-onset nephrotic syndrome. Also called: Nephrotic Syndrome, type 5; NEPHROTIC SYNDROME, TYPE 5, WITHOUT OCULAR ABNORMALITIES; NEPHROTIC SYNDROME, TYPE 5, WITH OCULAR ABNORMALITIES. Identifiers: Orphanet 306507, MedGen C3280113, MONDO:0013621, OMIM 614199.

Allele frequency attached by ClinVar (database versions not stated): gnomAD exomes below 0.00001.
gnomAD v4.1: 1 of 1,613,984 alleles (0.000062%); highest among the groups gnomAD compares: Admixed American, 0.0017%; no homozygotes.

Submission:

Labcorp Genetics (formerly Invitae), Labcorp
Classification: Uncertain significance for LAMB2-related infantile-onset nephrotic syndrome; Pierson syndrome. Last evaluated: 2020-03-05. Review status: criteria provided, single submitter. Criteria: Invitae Variant Classification Sherloc (09022015). Collection method: clinical testing. Allele origin: germline.
Comment: This sequence change replaces cysteine with arginine at codon 552 of the LAMB2 protein (p.Cys552Arg). The cysteine residue is highly conserved and there is a large physicochemical difference between cysteine and arginine. This variant is not present in population databases (ExAC no frequency). This variant has not been reported in the literature in individuals with LAMB2-related conditions. Algorithms developed to predict the effect of missense changes on protein structure and function (SIFT, PolyPhen-2, Align-GVGD) all suggest that this variant is likely to be disruptive, but these predictions have not been confirmed by published functional studies and their clinical significance is uncertain. In summary, the available evidence is currently insufficient to determine the role of this variant in disease. Therefore, it has been classified as a Variant of Uncertain Significance.